The following is an entry in ClinVar:

ClinVar aggregate classification (germline): Uncertain significance (1 of 4 stars; one submission).

Allele frequency attached by ClinVar (database versions not stated): gnomAD exomes below 0.00001.
gnomAD v4.1: 8 of 1,614,134 alleles (0.0005%); highest among the groups gnomAD compares: African/African-American, 0.0013%; no homozygotes.

Submission:

Labcorp Genetics (formerly Invitae), Labcorp
Classification: Uncertain significance. Last evaluated: 2023-07-29. Review status: criteria provided, single submitter. Criteria: Invitae Variant Classification Sherloc (09022015). Collection method: clinical testing. Allele origin: germline.
Comment: In summary, the available evidence is currently insufficient to determine the role of this variant in disease. Therefore, it has been classified as a Variant of Uncertain Significance. An algorithm developed to predict the effect of missense changes on protein structure and function (PolyPhen-2) suggests that this variant is likely to be disruptive. This variant has not been reported in the literature in individuals affected with MICAL1-related conditions. This variant is not present in population databases (gnomAD no frequency). This sequence change replaces alanine, which is neutral and non-polar, with proline, which is neutral and non-polar, at codon 561 of the MICAL1 protein (p.Ala561Pro).

NM_022765.4(MICAL1):c.1624G>C (p.Ala542Pro)

Gene: MICAL1 (microtubule associated monooxygenase, calponin and LIM domain containing 1; minus strand). Cytogenetic location: 6q21.
Variant type: single nucleotide variant.
Coding change: c.1624G>C on transcript NM_022765.4 (MANE Select); coding-DNA position 1624, G replaced by C.
Protein change: p.Ala542Pro; replaces alanine 542 with proline.
Molecular consequence: missense variant.
Genome position (GRCh38, 1-based): chr6:109,448,772, C>G on the plus strand (G>C on the coding strand, the complement: MICAL1 is on the minus strand). VCF-style: chr6-109448772-C-G. GRCh37 (hg19) VCF-style: chr6-109769975-C-G.
Other names: c.1366G>C, p.Ala456Pro (NM_001159291.2); c.1681G>C, p.Ala561Pro (NM_001286613.2); short protein forms A456P, A561P, A542P.
Identifiers: ClinVar variation 3005386 (VCV003005386.3), dbSNP rs2482790242, ClinGen allele CA365229105.
Genomic context (GRCh38, chr6:109,448,772, plus strand): 5'-TGGGTCTGCCAGGGACTCACAGCAGGCCAGGCTGCAGCCGGTACACCAGGGCACACAGAG[C>G]TAGCCCATCAGCCCAGGAGGAAGACAAATCGGAGACGTGGACTCCCGGGTACCCAGCTGT-3'
Protein context (NP_073602.3, residues 532-552): DLSSSWADGL[Ala542Pro]LCALVYRLQP